The following is an entry in ClinVar:

NM_000317.3(PTS):c.166GTG[1] (p.Val57del)

Gene: PTS (6-pyruvoyltetrahydropterin synthase; plus strand). Cytogenetic location: 11q23.1.
Variant type: Microsatellite.
Coding change: c.166GTG[1] on transcript NM_000317.3 (MANE Select); one copy of the 3-base unit GTG starting at c.166; the reference has two copies in a row; one copy, 3 bases deleted; also written c.169_171del.
Protein change: p.Val57del; deletes valine 57.
Molecular consequence: inframe deletion.
Genome position (GRCh38, 1-based): chr11:112,230,213-112,230,215, GTG deleted; deleting any 3 consecutive bases within chr11:112,230,210-112,230,215 gives the same sequence; the position shown is the placement nearest the transcript's 3' end. VCF-style (leftmost placement, unchanged base first): chr11-112230209-TGTG-T. GRCh37 (hg19) VCF-style: chr11-112100932-TGTG-T.
Other names: c.169_171del (NM_000317.3); short protein forms V57del.
Identifiers: ClinVar variation 551630 (VCV000551630.26), dbSNP rs770387277, ClinGen allele CA6278498.

ClinVar aggregate classification (germline): Pathogenic/Likely pathogenic. Review status: criteria provided, multiple submitters, no conflicts (2 of 4 stars). 9 submissions from 9 submitters: Pathogenic (5); Likely pathogenic (3). 1 of the submissions does not count toward it. Last evaluated 2026-04-01.

Conditions:
6-Pyruvoyl-tetrahydrobiopterin synthase deficiency. Also called: PTS-Related Tetrahydrobiopterin Deficiency; 6-Pyruvoyltetrahydropterin Synthase Deficiency; Hyperphenylalanemia, BH4-deficient, A; Hyperphenylalaninemia due to 6-pyruvoyl-tetrahydropterin synthase deficiency; BH4-deficient hyperphenylalaninemia A; PTS DEFICIENCY. Identifiers: Orphanet 13, Orphanet 238583, MedGen C0878676, MONDO:0009863, OMIM 261640.

Submissions (9):

Greenwood Genetic Center Diagnostic Laboratories, Greenwood Genetic Center
Classification: Pathogenic for 6-Pyruvoyl-tetrahydrobiopterin synthase deficiency. Last evaluated: 2026-04-01. Review status: criteria provided, single submitter. Criteria: ACMG Guidelines, 2015. Collection method: clinical testing. Allele origin: germline. Affected: yes.
Comment: PS3, PM2, PM3_Strong, PM4

GeneDx
Classification: Pathogenic. Last evaluated: 2026-03-24. Review status: criteria provided, single submitter. Criteria: GeneDx Variant Classification Process June 2021. Collection method: clinical testing. Allele origin: germline.
Comment: Published functional studies demonstrate a damaging effect where c.169_171del is associated with no residual PTPS enzyme activity compared to wild-type (PMID: 7493990); In-frame deletion of 1 amino acid(s) in a non-repeat region; In silico analysis supports a deleterious effect on protein structure/function; Not observed at significant frequency in large population cohorts (gnomAD); This variant is associated with the following publications: (PMID: 22237589, 9222757, 7493990, 11438997, 30926181, 32651154, 11694255)

Labcorp Genetics (formerly Invitae), Labcorp
Classification: Pathogenic for 6-Pyruvoyl-tetrahydrobiopterin synthase deficiency. Last evaluated: 2025-10-03. Review status: criteria provided, single submitter. Criteria: Invitae Variant Classification Sherloc (09022015). Collection method: clinical testing. Allele origin: germline.
Comment: This variant, c.169_171del, results in the deletion of 1 amino acid(s) of the PTS protein (p.Val57del), but otherwise preserves the integrity of the reading frame. This variant is present in population databases (rs770387277, gnomAD 0.008%). This variant has been observed in individual(s) with 6-pyruvoyl-tetrahydropterin synthase (PTPS) deficiency (PMID: 7493990, 11438997, 30926181). In at least one individual the data is consistent with being in trans (on the opposite chromosome) from a pathogenic variant. Algorithms developed to predict the effect of variants on gene product structure and function are not available or were not evaluated for this variant. Experimental studies have shown that this variant affects PTS function (PMID: 7493990). For these reasons, this variant has been classified as Pathogenic.

Natera, Inc.
Classification: Pathogenic for 6-Pyruvoyl-tetrahydrobiopterin synthase deficiency. Last evaluated: 2025-05-20. Review status: criteria provided, single submitter. Criteria: Natera Variant Classification Schema (03/2026). Collection method: clinical testing. Allele origin: germline.
Comment: The c.169_171delGTG variant in PTS is an in-frame deletion predicted to remove valine at amino acid 57 while preserving the reading frame. This variant is rare in the general population with a frequency below the threshold expected for the associated phenotype(s). This variant has been observed in one or more individuals affected with the associated recessive disease, as either homozygous or compound heterozygous with a second variant (PMID: 30926181, 20059486, 11438997, 23138986, 7493990). Functional studies show that this variant may disrupt protein function (PMID: 7493990). Computational prediction algorithms indicate this variant is likely to affect gene or protein function. Given the available evidence, this variant is classified as Pathogenic.

Genomic Medicine Center of Excellence, King Faisal Specialist Hospital and Research Centre
Classification: Pathogenic for 6-Pyruvoyl-tetrahydrobiopterin synthase deficiency. Last evaluated: 2024-09-22. Review status: criteria provided, single submitter. Criteria: ACMG Guidelines, 2015. Collection method: clinical testing. Allele origin: germline.

Fulgent Genetics
Classification: Likely pathogenic for 6-Pyruvoyl-tetrahydrobiopterin synthase deficiency. Last evaluated: 2024-04-20. Review status: criteria provided, single submitter. Criteria: ACMG Guidelines, 2015. Collection method: clinical testing. Allele origin: germline.

Genome-Nilou Lab
Classification: Likely pathogenic for 6-Pyruvoyl-tetrahydrobiopterin synthase deficiency. Last evaluated: 2021-09-05. Review status: criteria provided, single submitter. Criteria: ACMG Guidelines, 2015. Collection method: clinical testing. Allele origin: germline. Affected: no.

Revvity Omics, Revvity
Classification: Likely pathogenic for 6-Pyruvoyl-tetrahydrobiopterin synthase deficiency. Last evaluated: 2021-06-08. Review status: criteria provided, single submitter. Criteria: ACMG Guidelines, 2015. Collection method: clinical testing. Allele origin: germline.

Counsyl
Classification: Likely pathogenic for 6-Pyruvoyl-tetrahydrobiopterin synthase deficiency. Last evaluated: 2017-04-21. Review status: no assertion criteria provided. Collection method: clinical testing. Allele origin: unknown. Not counted in ClinVar's aggregate classification.

Literature cited by the submitters: PubMed 7493990 (cited by 3 submitters); PubMed 11438997 (cited by Labcorp Genetics (formerly Invitae), Labcorp and Natera, Inc.); PubMed 30926181 (cited by Labcorp Genetics (formerly Invitae), Labcorp and Natera, Inc.); PubMed 20059486 (cited by Natera, Inc.); PubMed 23138986 (cited by Natera, Inc. and Counsyl); PubMed 27629047 (cited by Counsyl); PubMed 9222757 (cited by Counsyl); PubMed 11694255 (cited by Counsyl).